The following is an entry in ClinVar:

Conditions:
Breast-ovarian cancer, familial, susceptibility to, 1 (BROVCA1). Also called: BRCA1 Hereditary Breast and Ovarian Cancer; OVARIAN CANCER, SUSCEPTIBILITY TO. Identifiers: Orphanet 145, MedGen C2676676, MONDO:0011450, OMIM 604370. Disease mechanism: loss of function.

Submission:

Brotman Baty Institute, University of Washington
No classification provided (evidence only). Condition: Breast-ovarian cancer, familial 1. Review status: no classification provided. Collection method: in vitro. Allele origin: not applicable. Functional consequence: functionally_normal.
ClinVar note: "not provided" was previously submitted as the classification for the variant. However, the classification appeared to be based only on an observation of functional data so it was converted to no classification on 2025-07-30.

NM_007294.4(BRCA1):c.5278-7C>G

Gene: BRCA1 (BRCA1 DNA repair associated; minus strand). Cytogenetic location: 17q21.31.
Variant type: single nucleotide variant.
Coding change: c.5278-7C>G on transcript NM_007294.4 (MANE Select); 7 bases into the intron before coding-DNA position 5278, C replaced by G.
Molecular consequence: intron variant.
Genome position (GRCh38, 1-based): chr17:43,051,124, G>C on the plus strand (C>G on the coding strand, the complement: BRCA1 is on the minus strand). VCF-style: chr17-43051124-G-C. GRCh37 (hg19) VCF-style: chr17-41203141-G-C.
Other names: c.1825-7C>G (NM_001408458.1, NM_001408461.1, NM_001408464.1 and 7 more transcripts); c.4387-7C>G (NM_001407967.1); c.4897-7C>G (NM_001407959.1); c.5011-7C>G (NM_001407931.1, NM_001407932.1, NM_001407928.1 and 4 more transcripts); c.5134-7C>G (NM_001407747.1, NM_001407745.1, NM_001407737.1 and 21 more transcripts); c.4894-7C>G (NM_001407962.1, NM_001407960.1); c.1465-7C>G (NM_001408512.1); c.1588-7C>G (NM_001408510.1); and 74 more.
Identifiers: ClinVar variation 867330 (VCV000867330.3), dbSNP rs2051216372, ClinGen allele CA916081059.
Genomic context (GRCh38, chr17:43,051,124, plus strand): 5'-TGTGGGCATGTTGGTGAAGGGCCCATAGCAACAGATTTCTAGCCCCCTGAAGATCTGGAA[G>C]AAGAGAGGAAGAGAGAGGGACAGGGGAATGGAGAGAAGGAAAATCTAGTTATAAAAGAAT-3'